The following is an entry in ClinVar:

NM_000494.4(COL17A1):c.2362+8G>A

Gene: COL17A1 (collagen type XVII alpha 1 chain; minus strand). Cytogenetic location: 10q25.1.
Variant type: single nucleotide variant.
Coding change: c.2362+8G>A on transcript NM_000494.4 (MANE Select); 8 bases into the intron after coding-DNA position 2362, G replaced by A.
Molecular consequence: intron variant.
Genome position (GRCh38, 1-based): chr10:104,046,739, C>T on the plus strand (G>A on the coding strand, the complement: COL17A1 is on the minus strand). VCF-style: chr10-104046739-C-T. GRCh37 (hg19) VCF-style: chr10-105806497-C-T.
Other names: c.2362+8G>A (NM_000494.3).
Identifiers: ClinVar variation 2906356 (VCV002906356.5), dbSNP rs778125834, ClinGen allele CA5678530.

ClinVar aggregate classification (germline): Likely benign. Review status: criteria provided, multiple submitters, no conflicts (2 of 4 stars). 3 submissions from 3 submitters: Likely benign (3). Last evaluated 2026-01-26.

Conditions:
COL17A1-related disorder. Also called: COL17A1-related condition.

Allele frequency attached by ClinVar (database versions not stated): gnomAD exomes 0.00001; ExAC 0.00002; gnomAD 0.00003; TOPMed 0.00005.
gnomAD v4.1: 26 of 1,613,644 alleles (0.0016%); highest among the groups gnomAD compares: Middle Eastern, 0.033%; no homozygotes.

Submissions (3):

PreventionGenetics, part of Exact Sciences
Classification: Likely benign for COL17A1-related condition. Last evaluated: 2026-01-26. Review status: criteria provided, single submitter. Criteria: ACMG Guidelines, 2015. Collection method: clinical testing. Allele origin: germline.
Comment: This variant is classified as likely benign based on ACMG/AMP sequence variant interpretation guidelines (Richards et al. 2015 PMID: 25741868, with internal and published modifications).

Blueprint Genetics
Classification: Likely benign. Last evaluated: 2024-05-29. Review status: criteria provided, single submitter. Criteria: ACMG Guidelines, 2015. Collection method: clinical testing. Allele origin: germline.

Labcorp Genetics (formerly Invitae), Labcorp
Classification: Likely benign. Last evaluated: 2024-03-10. Review status: criteria provided, single submitter. Criteria: Invitae Variant Classification Sherloc (09022015). Collection method: clinical testing. Allele origin: germline.